The following is an entry in ClinVar:

NM_018171.5(APPL2):c.1434G>A (p.Glu478=)

Gene: APPL2 (adaptor protein, phosphotyrosine interacting with PH domain and leucine zipper 2; minus strand). Cytogenetic location: 12q23.3.
Variant type: single nucleotide variant.
Coding change: c.1434G>A on transcript NM_018171.5 (MANE Select); coding-DNA position 1434, G replaced by A.
Protein change: p.Glu478=; no amino-acid change (glutamic acid 478 retained).
Molecular consequence: synonymous variant.
Genome position (GRCh38, 1-based): chr12:105,189,797, C>T on the plus strand (G>A on the coding strand, the complement: APPL2 is on the minus strand). VCF-style: chr12-105189797-C-T. GRCh37 (hg19) VCF-style: chr12-105583575-C-T.
Other names: c.1452G>A, p.Glu484= (NM_001251904.2); c.1305G>A, p.Glu435= (NM_001251905.2).
Identifiers: ClinVar variation 2643259 (VCV002643259.24), dbSNP rs2499634028, ClinGen allele CA481640148.

ClinVar aggregate classification (germline): Likely benign (1 of 4 stars; one submission).

Allele frequency attached by ClinVar (database versions not stated): gnomAD exomes below 0.00001.
gnomAD v4.1: 1 of 1,614,206 alleles (0.000062%); highest among the groups gnomAD compares: Non-Finnish European, 0.000085%; no homozygotes.

Submission:

CeGaT Center for Human Genetics Tuebingen
Classification: Likely benign. Last evaluated: 2022-03-01. Review status: criteria provided, single submitter. Criteria: CeGaT Center For Human Genetics Tuebingen Variant Classification Criteria Version 2. Collection method: clinical testing. Allele origin: germline. Affected: yes. Observed: 1 variant allele.
Comment: APPL2: BP4, BP7